The following is an entry in ClinVar:

NM_006580.4(CLDN16):c.-31A>G

Gene: CLDN16 (claudin 16; plus strand). Cytogenetic location: 3q28.
Variant type: single nucleotide variant.
Coding change: c.-31A>G on transcript NM_006580.4 (MANE Select); 31 bases upstream of the start codon, A replaced by G.
Molecular consequence: 5 prime UTR variant.
Genome position (GRCh38, 1-based): chr3:190,388,299, A>G. VCF-style: chr3-190388299-A-G. GRCh37 (hg19) VCF-style: chr3-190106088-A-G.
Other names: c.-31A>G (NM_001378492.1, NM_001378493.1).
Identifiers: ClinVar variation 5008805 (VCV005008805.1).

ClinVar aggregate classification (germline): Uncertain significance (1 of 4 stars; one submission).

gnomAD v4.1: 5 of 1,614,112 alleles (0.00031%); highest among the groups gnomAD compares: Non-Finnish European, 0.00042%; no homozygotes.

Submission:

GeneDx
Classification: Uncertain significance. Last evaluated: 2026-03-18. Review status: criteria provided, single submitter. Criteria: GeneDx Variant Classification Process June 2021. Collection method: clinical testing. Allele origin: germline.
Comment: Not observed at significant frequency in large population cohorts (gnomAD); In silico analysis suggests that this variant does not alter splicing; Has not been previously published as pathogenic or benign to our knowledge